The following is an entry in ClinVar:

NM_000111.3(SLC26A3):c.311A>G (p.Tyr104Cys)

Gene: SLC26A3 (solute carrier family 26 member 3; minus strand). Cytogenetic location: 7q22.3.
Variant type: single nucleotide variant.
Coding change: c.311A>G on transcript NM_000111.3 (MANE Select); coding-DNA position 311, A replaced by G.
Protein change: p.Tyr104Cys; replaces tyrosine 104 with cysteine.
Molecular consequence: missense variant.
Genome position (GRCh38, 1-based): chr7:107,791,901, T>C on the plus strand (A>G on the coding strand, the complement: SLC26A3 is on the minus strand). VCF-style: chr7-107791901-T-C. GRCh37 (hg19) VCF-style: chr7-107432346-T-C.
Other names: c.311A>G (NM_000111.2); short protein forms Y104C.
Identifiers: ClinVar variation 1481807 (VCV001481807.9), dbSNP rs765740009, ClinGen allele CA4434172.
Genomic context (GRCh38, chr7:107,791,901, plus strand): 5'-TGTCTGGAAGTGCCGAAGAAAAGGTAGATTATGGCTGGGAAAAAGGATGCATACAACCCA[T>C]AGACTGGGGGAATGTCGACCAGCAGAGCAAATGCTAAACCTGTAAACACACAAGCAGCAG-3'
Protein context (NP_000102.1, residues 94-114): FALLVDIPPV[Tyr104Cys]GLYASFFPAI

ClinVar aggregate classification (germline): Uncertain significance. Review status: criteria provided, multiple submitters, no conflicts (2 of 4 stars). 2 submissions from 2 submitters: Uncertain significance (2). Last evaluated 2024-01-19.

Conditions:
Inborn genetic diseases. Identifiers: MedGen C0950123, MeSH D030342.

Allele frequency attached by ClinVar (database versions not stated): gnomAD exomes below 0.00001 and 0.00001; ExAC 0.00001.
gnomAD v4.1: 1 of 1,613,580 alleles (0.000062%); highest among the groups gnomAD compares: Admixed American, 0.0017%; no homozygotes.

Submissions (2):

Ambry Genetics
Classification: Uncertain significance for Inborn genetic diseases. Last evaluated: 2024-01-19. Review status: criteria provided, single submitter. Criteria: Ambry Variant Classification Scheme 2023. Collection method: clinical testing. Allele origin: germline.

Labcorp Genetics (formerly Invitae), Labcorp
Classification: Uncertain significance. Last evaluated: 2022-08-21. Review status: criteria provided, single submitter. Criteria: Invitae Variant Classification Sherloc (09022015). Collection method: clinical testing. Allele origin: germline.
Comment: This sequence change replaces tyrosine, which is neutral and polar, with cysteine, which is neutral and slightly polar, at codon 104 of the SLC26A3 protein (p.Tyr104Cys). This variant is present in population databases (rs765740009, gnomAD 0.003%). This variant has not been reported in the literature in individuals affected with SLC26A3-related conditions. ClinVar contains an entry for this variant (Variation ID: 1481807). Algorithms developed to predict the effect of missense changes on protein structure and function are either unavailable or do not agree on the potential impact of this missense change (SIFT: "Tolerated"; PolyPhen-2: "Probably Damaging"; Align-GVGD: "Class C0"). In summary, the available evidence is currently insufficient to determine the role of this variant in disease. Therefore, it has been classified as a Variant of Uncertain Significance.